The following is an entry in ClinVar:

NM_020975.6(RET):c.528T>G (p.Ile176Met)

Gene: RET (ret proto-oncogene; plus strand). Cytogenetic location: 10q11.21.
Variant type: single nucleotide variant.
Coding change: c.528T>G on transcript NM_020975.6 (MANE Select); coding-DNA position 528, T replaced by G.
Protein change: p.Ile176Met; replaces isoleucine 176 with methionine.
Molecular consequence: missense variant.
Genome position (GRCh38, 1-based): chr10:43,102,532, T>G. VCF-style: chr10-43102532-T-G. GRCh37 (hg19) VCF-style: chr10-43597980-T-G.
Other names: c.528T>G, p.Ile176Met (NM_000323.2, NM_001406743.1, NM_001406744.1 and 16 more transcripts); c.399T>G, p.Ile133Met (NM_001406761.1, NM_001406762.1, NM_001406764.1 and 4 more transcripts); short protein forms I176M, I133M.
Identifiers: ClinVar variation 241363 (VCV000241363.14), dbSNP rs556686338, ClinGen allele CA10582719.

ClinVar aggregate classification (germline): Uncertain significance. Review status: criteria provided, multiple submitters, no conflicts (2 of 4 stars). 3 submissions from 3 submitters: Uncertain significance (3). Last evaluated 2025-12-18.

Conditions:
Multiple endocrine neoplasia, type 2 (MEN2). Identifiers: Orphanet 653, MedGen C4048306, MONDO:0019003. Disease mechanism: gain of function.
Hereditary cancer-predisposing syndrome. Also called: Tumor predisposition; Neoplastic Syndromes, Hereditary; Hereditary Cancer Syndrome; Hereditary neoplastic syndrome. Identifiers: Orphanet 140162, MedGen C0027672, MeSH D009386, MONDO:0015356.

Allele frequency attached by ClinVar (database versions not stated): TOPMed below 0.00001; gnomAD 0.00001.
gnomAD v4.1: 1 of 1,614,016 alleles (0.000062%); highest among the groups gnomAD compares: Non-Finnish European, 0.000085%; no homozygotes.

Submissions (3):

Labcorp Genetics (formerly Invitae), Labcorp
Classification: Uncertain significance for Multiple endocrine neoplasia, type 2. Last evaluated: 2025-12-18. Review status: criteria provided, single submitter. Criteria: Invitae Variant Classification Sherloc (09022015). Collection method: clinical testing. Allele origin: germline.
Comment: This sequence change replaces isoleucine, which is neutral and non-polar, with methionine, which is neutral and non-polar, at codon 176 of the RET protein (p.Ile176Met). This variant is not present in population databases (gnomAD no frequency). This variant has not been reported in the literature in individuals affected with RET-related conditions. ClinVar contains an entry for this variant (Variation ID: 241363). An algorithm developed to predict the effect of missense changes on protein structure and function (PolyPhen-2) suggests that this variant is likely to be disruptive. In summary, the available evidence is currently insufficient to determine the role of this variant in disease. Therefore, it has been classified as a Variant of Uncertain Significance.

Ambry Genetics
Classification: Uncertain significance for Hereditary cancer-predisposing syndrome. Last evaluated: 2024-03-13. Review status: criteria provided, single submitter. Criteria: Ambry Variant Classification Scheme 2023. Collection method: clinical testing. Allele origin: germline.
Comment: The p.I176M variant (also known as c.528T>G), located in coding exon 3 of the RET gene, results from a T to G substitution at nucleotide position 528. The isoleucine at codon 176 is replaced by methionine, an amino acid with highly similar properties. This amino acid position is conserved. In addition, the in silico prediction for this alteration is inconclusive. Based on the available evidence, the clinical significance of this alteration remains unclear.

All of Us Research Program, National Institutes of Health
Classification: Uncertain significance for Multiple endocrine neoplasia, type 2. Last evaluated: 2024-03-05. Review status: criteria provided, single submitter. Criteria: ACMG Guidelines, 2015. Collection method: clinical testing. Allele origin: germline. Inheritance: Autosomal dominant inheritance. Observed: 3 variant alleles, 3 heterozygotes.
Comment: This missense variant replaces isoleucine with methionine at codon 176 of the RET protein. Computational prediction is inconclusive regarding the impact of this variant on protein structure and function (internally defined REVEL score threshold 0.5 < inconclusive < 0.7, PMID: 27666373). To our knowledge, functional studies have not been reported for this variant. This variant has not been reported in individuals affected with RET-related disorders in the literature. This variant has not been identified in the general population by the Genome Aggregation Database (gnomAD). The available evidence is insufficient to determine the role of this variant in disease conclusively. Therefore, this variant is classified as a Variant of Uncertain Significance.

This study involves interpretation of variants in research participants for the purpose of population health screening. Participant phenotype was not available at the time of variant classification. Additional details can be found in publication PMID: 35346344, PMCID: PMC8962531